The following is an entry in ClinVar:

ClinVar aggregate classification (germline): Likely benign. Review status: criteria provided, multiple submitters, no conflicts (2 of 4 stars). 4 submissions from 4 submitters: Likely benign (4). Last evaluated 2026-01-28.

Conditions:
Hereditary cancer-predisposing syndrome. Also called: Tumor predisposition; Hereditary neoplastic syndrome; Hereditary Cancer Syndrome; Neoplastic Syndromes, Hereditary. Identifiers: Orphanet 140162, MedGen C0027672, MeSH D009386, MONDO:0015356.
Cardiovascular phenotype. Identifiers: MedGen CN230736.
LZTR1-related disorder. Also called: LZTR1-related disorders; LZTR1-related condition.

Allele frequency attached by ClinVar (database versions not stated): gnomAD 0.00001; gnomAD exomes 0.00001; TOPMed 0.00001; ExAC 0.00005.
gnomAD v4.1: 22 of 1,599,138 alleles (0.0014%); highest among the groups gnomAD compares: Middle Eastern, 0.016%; no homozygotes.

Submissions (4):

Labcorp Genetics (formerly Invitae), Labcorp
Classification: Likely benign. Last evaluated: 2026-01-28. Review status: criteria provided, single submitter. Criteria: Invitae Variant Classification Sherloc (09022015). Collection method: clinical testing. Allele origin: germline.

PreventionGenetics, part of Exact Sciences
Classification: Likely benign for LZTR1-related condition. Last evaluated: 2025-07-02. Review status: criteria provided, single submitter. Criteria: ACMG Guidelines, 2015. Collection method: clinical testing. Allele origin: germline.
Comment: This variant is classified as likely benign based on ACMG/AMP sequence variant interpretation guidelines (Richards et al. 2015 PMID: 25741868, with internal and published modifications).

Blueprint Genetics
Classification: Likely benign. Last evaluated: 2023-09-15. Review status: criteria provided, single submitter. Criteria: ACMG Guidelines, 2015. Collection method: clinical testing. Allele origin: germline.

Ambry Genetics
Classification: Likely benign for Cardiovascular phenotype; Hereditary cancer-predisposing syndrome. Last evaluated: 2022-01-26. Review status: criteria provided, single submitter. Criteria: Ambry Variant Classification Scheme 2023. Collection method: clinical testing. Allele origin: germline.

NM_006767.4(LZTR1):c.1590C>T (p.Thr530=)

Gene: LZTR1 (leucine zipper like post translational regulator 1; plus strand). Cytogenetic location: 22q11.21.
Variant type: single nucleotide variant.
Coding change: c.1590C>T on transcript NM_006767.4 (MANE Select); coding-DNA position 1590, C replaced by T.
Protein change: p.Thr530=; no amino-acid change (threonine 530 retained).
Molecular consequence: synonymous variant.
Genome position (GRCh38, 1-based): chr22:20,994,244, C>T. VCF-style: chr22-20994244-C-T. GRCh37 (hg19) VCF-style: chr22-21348533-C-T.
Identifiers: ClinVar variation 1775910 (VCV001775910.10), dbSNP rs760341864, ClinGen allele CA10118950.